The following is an entry in ClinVar:

NM_015158.5(KANK1):c.3631G>A (p.Glu1211Lys)

Gene: KANK1 (KN motif and ankyrin repeat domains 1; plus strand). Cytogenetic location: 9p24.3.
Variant type: single nucleotide variant.
Coding change: c.3631G>A on transcript NM_015158.5 (MANE Select); coding-DNA position 3631, G replaced by A.
Protein change: p.Glu1211Lys; replaces glutamic acid 1211 with lysine.
Molecular consequence: missense variant. On other transcripts: non-coding transcript variant (1).
Genome position (GRCh38, 1-based): chr9:740,869, G>A. VCF-style: chr9-740869-G-A. GRCh37 (hg19) VCF-style: chr9-740869-G-A.
Other names: c.3631G>A, p.Glu1211Lys (NM_001256876.3, NM_001256877.3, NM_001354334.2); c.3391G>A, p.Glu1131Lys (NM_001354331.2); c.3577G>A, p.Glu1193Lys (NM_001354332.2); c.3157G>A, p.Glu1053Lys (NM_001354333.2, NM_001354335.2, NM_001354337.2 and 2 more transcripts); c.2863G>A, p.Glu955Lys (NM_001354336.2); c.3103G>A, p.Glu1035Lys (NM_001354338.2, NM_001354340.2, NM_001354344.2); c.2917G>A, p.Glu973Lys (NM_001354339.2, NM_001354342.2, NM_001354343.2); short protein forms E1053K, E1131K, E955K, E973K, E1035K, E1211K, E1193K.
Identifiers: ClinVar variation 2987173 (VCV002987173.3), dbSNP rs775838462, ClinGen allele CA4961073.

ClinVar aggregate classification (germline): Uncertain significance (1 of 4 stars; one submission).

Allele frequency attached by ClinVar (database versions not stated): TOPMed below 0.00001; ExAC 0.00001.
gnomAD v4.1: 4 of 1,614,140 alleles (0.00025%); highest among the groups gnomAD compares: Admixed American, 0.0033%; no homozygotes.

Submission:

Labcorp Genetics (formerly Invitae), Labcorp
Classification: Uncertain significance. Last evaluated: 2024-04-22. Review status: criteria provided, single submitter. Criteria: Invitae Variant Classification Sherloc (09022015). Collection method: clinical testing. Allele origin: germline.
Comment: This sequence change replaces glutamic acid, which is acidic and polar, with lysine, which is basic and polar, at codon 1211 of the KANK1 protein (p.Glu1211Lys). This variant is present in population databases (rs775838462, gnomAD 0.003%). This variant has not been reported in the literature in individuals affected with KANK1-related conditions. Advanced modeling of protein sequence and biophysical properties (such as structural, functional, and spatial information, amino acid conservation, physicochemical variation, residue mobility, and thermodynamic stability) has been performed at Invitae for this missense variant, however the output from this modeling did not meet the statistical confidence thresholds required to predict the impact of this variant on KANK1 protein function. In summary, the available evidence is currently insufficient to determine the role of this variant in disease. Therefore, it has been classified as a Variant of Uncertain Significance.